The following is an entry in ClinVar:

NM_001369.3(DNAH5):c.8965_8983delinsATA (p.Ser2989fs)

Gene: DNAH5 (dynein axonemal heavy chain 5; minus strand). Cytogenetic location: 5p15.2.
Variant type: Indel.
Coding change: c.8965_8983delinsATA on transcript NM_001369.3 (MANE Select); coding-DNA positions 8965 to 8983, TCAAATCTGATGGAAGATC replaced by ATA.
Protein change: p.Ser2989fs; shifts the reading frame from serine 2989.
Molecular consequence: frameshift variant.
Genome position (GRCh38, 1-based): chr5:13,777,324-13,777,342, GATCTTCCATCAGATTTGA replaced by TAT on the plus strand (TCAAATCTGATGGAAGATC replaced by ATA on the coding strand, the reverse complement: DNAH5 is on the minus strand). VCF-style: chr5-13777324-GATCTTCCATCAGATTTGA-TAT. GRCh37 (hg19) VCF-style: chr5-13777433-GATCTTCCATCAGATTTGA-TAT.
Other names: short protein forms S2989fs.
Identifiers: ClinVar variation 5010688 (VCV005010688.1).

ClinVar aggregate classification (germline): Pathogenic (1 of 4 stars; one submission).

Conditions:
Primary ciliary dyskinesia 3. Identifiers: Orphanet 244, MedGen C1837618, MONDO:0012085, OMIM 608644.

Submission:

Myriad Genetics, Inc.
Classification: Pathogenic for Primary ciliary dyskinesia 3. Last evaluated: 2024-05-14. Review status: criteria provided, single submitter. Criteria: Myriad Autosomal Dominant, Autosomal Recessive and X-Linked Classification Criteria (2023). Collection method: clinical testing. Allele origin: unknown.
Comment: NM_001369.2(DNAH5):c.8965_8983del19ins3(S2989Ifs*2) is expected to be pathogenic in the context of primary ciliary dyskinesia, DNAH5-related. This variant is predicted to lead to an abnormal or absent protein product due to the creation of a premature termination codon in DNAH5, a gene where loss-of-function variants are known to be pathogenic. Please note: this variant was assessed in the context of healthy population screening.